The following is an entry in ClinVar:

ClinVar aggregate classification (germline): Benign (0 of 4 stars; one submission).

Conditions:
Holoprosencephaly 3 (HPE3). Identifiers: Orphanet 2162, MedGen C1840529, MONDO:0007733, OMIM 142945.

Allele frequency attached by ClinVar (database versions not stated): gnomAD 0.00003.
gnomAD v4.1: 111 of 1,553,420 alleles (0.0071%); highest among the groups gnomAD compares: Non-Finnish European, 0.0093%; no homozygotes.

Submission:

GeneReviews
Classification: Benign for Holoprosencephaly. Last evaluated: 2013-08-29. Review status: no assertion criteria provided. Collection method: curation. Allele origin: unknown.
ClinVar note: Converted during submission from non-pathogenic to Benign.

NM_000193.4(SHH):c.825G>A (p.Ala275=)

Gene: SHH (sonic hedgehog signaling molecule; minus strand). Cytogenetic location: 7q36.3.
Variant type: single nucleotide variant.
Coding change: c.825G>A on transcript NM_000193.4 (MANE Select); coding-DNA position 825, G replaced by A.
Protein change: p.Ala275=; no amino-acid change (alanine 275 retained).
Molecular consequence: synonymous variant. On other transcripts: intron variant (1).
Genome position (GRCh38, 1-based): chr7:155,803,464, C>T on the plus strand (G>A on the coding strand, the complement: SHH is on the minus strand). VCF-style: chr7-155803464-C-T. GRCh37 (hg19) VCF-style: chr7-155596158-C-T.
Other names: c.825G>A; c.301+2832G>A (NM_001310462.2).
Identifiers: ClinVar variation 65904 (VCV000065904.2), dbSNP rs587778813, ClinGen allele CA345244.